The following is an entry in ClinVar:

ClinVar aggregate classification (germline): Conflicting classifications of pathogenicity. Review status: criteria provided, conflicting classifications (1 of 4 stars). 5 submissions from 5 submitters: Uncertain significance (3); Likely benign (1). 1 of the submissions does not count toward it. Last evaluated 2025-04-23.

Conditions:
PROKR2-related disorder. Also called: PROKR2-related condition.
Hypogonadotropic hypogonadism 3 with or without anosmia (HH3). Also called: HYPOGONADOTROPIC HYPOGONADISM 3 WITH ANOSMIA; PROKR2-Related GnRH Deficiency (Kallmann Syndrome 3). Identifiers: Orphanet 478, MedGen C3550478, MONDO:0009482, OMIM 244200.

Allele frequency attached by ClinVar (database versions not stated): gnomAD 0.00003; TOPMed 0.00004; gnomAD exomes 0.00007 and 0.00010; ESP Exome Variant Server 0.00008; ExAC 0.00014; 1000 Genomes Project 0.00040; 1000 Genomes Project 30x 0.00047.
gnomAD v4.1: 101 of 1,614,210 alleles (0.0063%); highest among the groups gnomAD compares: South Asian, 0.044%; no homozygotes.

Submissions (5):

Clinical Genetics Laboratory, Skane University Hospital Lund
Classification: Uncertain significance for Hypogonadotropic hypogonadism 3 with or without anosmia. Last evaluated: 2025-04-23. Review status: criteria provided, single submitter. Criteria: ACMG Guidelines, 2015. Collection method: clinical testing. Allele origin: germline. Affected: yes.
Comment: ACMG criteria used: PS3, PP3

Labcorp Genetics (formerly Invitae), Labcorp
Classification: Uncertain significance. Last evaluated: 2024-06-03. Review status: criteria provided, single submitter. Criteria: Invitae Variant Classification Sherloc (09022015). Collection method: clinical testing. Allele origin: germline.
Comment: This sequence change replaces arginine, which is basic and polar, with histidine, which is basic and polar, at codon 270 of the PROKR2 protein (p.Arg270His). This variant is present in population databases (rs146544539, gnomAD 0.06%). This missense change has been observed in individual(s) with PROKR2-related conditions (PMID: 30576231, 34403359). ClinVar contains an entry for this variant (Variation ID: 897087). Advanced modeling of protein sequence and biophysical properties (such as structural, functional, and spatial information, amino acid conservation, physicochemical variation, residue mobility, and thermodynamic stability) performed at Invitae indicates that this missense variant is expected to disrupt PROKR2 protein function with a positive predictive value of 80%. Experimental studies have shown that this missense change affects PROKR2 function (PMID: 29161432, 30576231). In summary, the available evidence is currently insufficient to determine the role of this variant in disease. Therefore, it has been classified as a Variant of Uncertain Significance.

Fulgent Genetics
Classification: Uncertain significance for Hypogonadotropic hypogonadism 3 with or without anosmia. Last evaluated: 2024-04-02. Review status: criteria provided, single submitter. Criteria: ACMG Guidelines, 2015. Collection method: clinical testing. Allele origin: germline.

Illumina Laboratory Services, Illumina
Classification: Likely benign for Hypogonadotropic hypogonadism 3 with or without anosmia. Last evaluated: 2017-04-28. Review status: criteria provided, single submitter. Criteria: ICSL Variant Classification Criteria 13 December 2019. Collection method: clinical testing. Allele origin: germline.
Comment: This variant was observed as part of a predisposition screen in an ostensibly healthy population. A literature search was performed for the gene, cDNA change, and amino acid change (where applicable). No publications were found based on this search. Allele frequency data from public databases allowed determination this variant is unlikely to cause disease. Therefore, this variant is classified as likely benign.

PreventionGenetics, part of Exact Sciences
Classification: Uncertain significance for PROKR2-related condition. Last evaluated: 2024-06-10. Review status: no assertion criteria provided. Collection method: clinical testing. Allele origin: germline. Not counted in ClinVar's aggregate classification.
Comment: The PROKR2 c.809G>A variant is predicted to result in the amino acid substitution p.Arg270His. This variant has been reported in the heterozygous state in an individual with hypogonadotropic hypogonadism; however, this individual is also heterozygous for variants of uncertain significance in the SEMA3A (p.Arg617Gln) and CCDC141 (p.Gln256Lys) genes, and the potential contribution of each variant to the patient's overall phenotype is unclear (Zhao et al. 2018. PubMed ID: 30576231; Dai et al. 2020. PubMed ID: 32060892; Hou et al. 2020. PubMed ID: 32520725). This variant was also reported in the homozygous state in an individual presenting with delayed puberty (Saengkaew et al. 2021. PubMed ID: 34403359). In vitro functional studies suggest that this variant may disrupt Gαq-mediated signaling pathways but not Gαs signaling (Cox et al. 2018. PubMed ID: 29161432; Zhao et al. 2018. PubMed ID: 30576231). This variant is reported in 0.059% of alleles in individuals of South Asian descent in gnomAD. Of note, another missense variant at the same amino acid residue (p.Arg270Cys) has been reported in an individual with hypogonadotropic hypogonadism (Sykiotis et al. 2010. PubMed ID: 20696889), although this variant appears to disrupt downstream signaling pathways to a greater degree than p.Arg270His (Cox et al. 2018. PubMed ID: 29161432). Taken together, the clinical significance of the p.Arg270His variant is uncertain at this time due to the absence of conclusive functional and genetic evidence.

Literature cited by the submitters: PubMed 30576231 (cited by Labcorp Genetics (formerly Invitae), Labcorp); PubMed 34403359 (cited by Labcorp Genetics (formerly Invitae), Labcorp); PubMed 29161432 (cited by Labcorp Genetics (formerly Invitae), Labcorp).

NM_144773.4(PROKR2):c.809G>A (p.Arg270His)

Gene: PROKR2 (prokineticin receptor 2; minus strand). Cytogenetic location: 20p12.3.
Variant type: single nucleotide variant.
Coding change: c.809G>A on transcript NM_144773.4 (MANE Select); coding-DNA position 809, G replaced by A.
Protein change: p.Arg270His; replaces arginine 270 with histidine.
Molecular consequence: missense variant.
Genome position (GRCh38, 1-based): chr20:5,302,386, C>T on the plus strand (G>A on the coding strand, the complement: PROKR2 is on the minus strand). VCF-style: chr20-5302386-C-T. GRCh37 (hg19) VCF-style: chr20-5283032-C-T.
Other names: c.809G>A (NM_144773.3); short protein forms R270H.
Identifiers: ClinVar variation 897087 (VCV000897087.11), dbSNP rs146544539, ClinGen allele CA9754273.